The following is an entry in ClinVar:

NM_001283009.2(RTEL1):c.2786C>G (p.Ala929Gly)

Genes: RTEL1 (regulator of telomere elongation helicase 1; plus strand), RTEL1-TNFRSF6B (RTEL1-TNFRSF6B readthrough (NMD candidate); plus strand). Cytogenetic location: 20q13.33.
Variant type: single nucleotide variant.
Coding change: c.2786C>G on transcript NM_001283009.2 (MANE Select); coding-DNA position 2786, C replaced by G.
Protein change: p.Ala929Gly; replaces alanine 929 with glycine.
Molecular consequence: missense variant. On other transcripts: non-coding transcript variant (1).
Genome position (GRCh38, 1-based): chr20:63,692,938, C>G. VCF-style: chr20-63692938-C-G. GRCh37 (hg19) VCF-style: chr20-62324291-C-G.
Other names: c.2117C>G, p.Ala706Gly (NM_001283010.1); c.2786C>G, p.Ala929Gly (NM_016434.4); c.2858C>G, p.Ala953Gly (NM_032957.5); short protein forms A706G, A953G, A929G.
Identifiers: ClinVar variation 3948470 (VCV003948470.1).
Genomic context (GRCh38, chr20:63,692,938, plus strand): 5'-AAGCCAACTTTGCCACCTTCACCCAGGCCCTGCAGGACTACAAGGGTTCCGATGACTTCG[C>G]CGCCCTGGCCGCCTGTCTCGGCCCCCTCTTTGCTGAGGACCCCAAGAAGCACAACCTGCT-3'
Protein context (NP_001269938.1, residues 919-939): LQDYKGSDDF[Ala929Gly]ALAACLGPLF

ClinVar aggregate classification (germline): Uncertain significance (1 of 4 stars; one submission).

Conditions:
Inborn genetic diseases. Identifiers: MedGen C0950123, MeSH D030342.

gnomAD v4.1: 1 of 1,612,614 alleles (0.000062%); highest among the groups gnomAD compares: Non-Finnish European, 0.000085%; no homozygotes.

Submission:

Ambry Genetics
Classification: Uncertain significance for Inborn genetic diseases. Last evaluated: 2025-06-08. Review status: criteria provided, single submitter. Criteria: Ambry Variant Classification Scheme 2023. Collection method: clinical testing. Allele origin: germline.
Comment: The p.A929G variant (also known as c.2786C>G), located in coding exon 28 of the RTEL1 gene, results from a C to G substitution at nucleotide position 2786. The alanine at codon 929 is replaced by glycine, an amino acid with similar properties. This amino acid position is conserved. In addition, this alteration is predicted to be tolerated by in silico analysis. Based on the available evidence, the clinical significance of this variant remains unclear.